The following is an entry in ClinVar:

ClinVar aggregate classification (germline): Likely benign (1 of 4 stars; one submission).

gnomAD v4.1: 98 of 1,614,092 alleles (0.0061%); highest among the groups gnomAD compares: Non-Finnish European, 0.0081%; no homozygotes.

Submission:

CeGaT Center for Human Genetics Tuebingen
Classification: Likely benign. Last evaluated: 2025-12-01. Review status: criteria provided, single submitter. Criteria: CeGaT Center For Human Genetics Tuebingen Variant Classification Criteria Version 2. Collection method: clinical testing. Allele origin: germline. Affected: yes. Observed: 1 variant allele.
Comment: TIAM1: BP4, BP7

NM_001353694.2(TIAM1):c.660G>A (p.Pro220=)

Gene: TIAM1 (TIAM Rac1 associated GEF 1; minus strand). Cytogenetic location: 21q22.11.
Variant type: single nucleotide variant.
Coding change: c.660G>A on transcript NM_001353694.2 (MANE Select); coding-DNA position 660, G replaced by A.
Protein change: p.Pro220=; no amino-acid change (proline 220 retained).
Molecular consequence: synonymous variant.
Genome position (GRCh38, 1-based): chr21:31,266,313, C>T on the plus strand (G>A on the coding strand, the complement: TIAM1 is on the minus strand). VCF-style: chr21-31266313-C-T. GRCh37 (hg19) VCF-style: chr21-32638629-C-T.
Other names: c.660G>A, p.Pro220= (NM_001353686.2, NM_001353687.2, NM_001353688.1 and 6 more transcripts).
Identifiers: ClinVar variation 4681635 (VCV004681635.5).